The following is an entry in ClinVar:

ClinVar aggregate classification (germline): Likely benign (1 of 4 stars; one submission).

Conditions:
NBAS-related disorder. Also called: NBAS-related condition.

Submission:

PreventionGenetics, part of Exact Sciences
Classification: Likely benign for NBAS-related condition. Last evaluated: 2026-09-22. Review status: criteria provided, single submitter. Criteria: ACMG Guidelines, 2015. Collection method: clinical testing. Allele origin: germline.
Comment: This variant is classified as likely benign based on ACMG/AMP sequence variant interpretation guidelines (Richards et al. 2015 PMID: 25741868, with internal and published modifications).

NM_015909.4(NBAS):c.2058G>A (p.Arg686=)

Gene: NBAS (NBAS subunit of NRZ tethering complex; minus strand). Cytogenetic location: 2p24.3.
Variant type: single nucleotide variant.
Coding change: c.2058G>A on transcript NM_015909.4 (MANE Select); coding-DNA position 2058, G replaced by A.
Protein change: p.Arg686=; no amino-acid change (arginine 686 retained).
Molecular consequence: synonymous variant. On other transcripts: non-coding transcript variant (1).
Genome position (GRCh38, 1-based): chr2:15,467,368, C>T on the plus strand (G>A on the coding strand, the complement: NBAS is on the minus strand). VCF-style: chr2-15467368-C-T. GRCh37 (hg19) VCF-style: chr2-15607492-C-T.
Identifiers: ClinVar variation 4991507 (VCV004991507.1).